The following is an entry in ClinVar:

ClinVar aggregate classification (germline): Uncertain significance (1 of 4 stars; one submission).

Conditions:
Intellectual developmental disorder, X-linked 30. Also called: MENTAL RETARDATION, X-LINKED 47; Intellectual disability, X-linked 30. Identifiers: Orphanet 777, MedGen C0796237, MONDO:0010361, OMIM 300558.

Submission:

Department of Paediatrics at Addenbrookes, Cambridge University Hospitals NHS Foundation Trust (UK)
Classification: Uncertain significance for Intellectual developmental disorder, X-linked 30. Last evaluated: 2025-05-27. Review status: criteria provided, single submitter. Criteria: Durkie Uk Practice Guidelines For Variant Classification V12 2024 (1). Collection method: clinical testing. Allele origin: unknown.
Comment: PM2_Moderate; BP7_Supporting

NM_002578.5(PAK3):c.175+4566T>G

Gene: PAK3 (p21 (RAC1) activated kinase 3; plus strand). Cytogenetic location: Xq23.
Variant type: single nucleotide variant.
Coding change: c.175+4566T>G on transcript NM_002578.5 (MANE Select); 4566 bases into the intron after coding-DNA position 175, T replaced by G.
Molecular consequence: intron variant. On other transcripts: non-coding transcript variant (7).
Genome position (GRCh38, 1-based): chrX:111,127,844, T>G. VCF-style: chrX-111127844-T-G. GRCh37 (hg19) VCF-style: chrX-110371072-T-G.
Other names: c.175+4566T>G (NM_001128166.3, NM_001324325.2, NM_001324330.2 and 12 more transcripts).
Identifiers: ClinVar variation 4279529 (VCV004279529.1).